The following is an entry in ClinVar:

ClinVar aggregate classification (germline): Conflicting classifications of pathogenicity. Review status: criteria provided, conflicting classifications (1 of 4 stars). 6 submissions from 6 submitters: Uncertain significance (5); Likely benign (1). Last evaluated 2025-12-02.

Conditions:
Cardiovascular phenotype. Identifiers: MedGen CN230736.
Arrhythmogenic cardiomyopathy with wooly hair and keratoderma. Also called: PALMOPLANTAR KERATODERMA WITH LEFT VENTRICULAR CARDIOMYOPATHY AND WOOLLY HAIR; Carvajal syndrome; Dilated cardiomyopathy with woolly hair and keratoderma; Arrhythmogenic cardiomyopathy with woolly hair and keratoderma. Identifiers: Orphanet 65282, MedGen C1854063, MONDO:0011581, OMIM 605676.
Arrhythmogenic right ventricular dysplasia 8 (ARVD8). Also called: Arrhythmogenic Right Ventricular Dysplasia/Cardiomyopathy 8; ARRHYTHMOGENIC RIGHT VENTRICULAR DYSPLASIA, FAMILIAL, 8; ARRHYTHMOGENIC RIGHT VENTRICULAR CARDIOMYOPATHY 8. Identifiers: MedGen C1843896, MONDO:0011831, OMIM 607450.
Cardiomyopathy (CMYO). Also called: Cardiomyopathies. Identifiers: Orphanet 167848, MedGen C0878544, MONDO:0004994, HP:0001638. Inheritance: Various modes of inheritance.

Allele frequency attached by ClinVar (database versions not stated): TOPMed 0.00002.
gnomAD v4.1: 51 of 1,614,024 alleles (0.0032%); highest among the groups gnomAD compares: Non-Finnish European, 0.004%; no homozygotes.

Submissions (6):

Labcorp Genetics (formerly Invitae), Labcorp
Classification: Likely benign for Arrhythmogenic cardiomyopathy with wooly hair and keratoderma; Arrhythmogenic right ventricular dysplasia 8. Last evaluated: 2025-12-02. Review status: criteria provided, single submitter. Criteria: Invitae Variant Classification Sherloc (09022015). Collection method: clinical testing. Allele origin: germline.

Ambry Genetics
Classification: Uncertain significance for Cardiovascular phenotype. Last evaluated: 2025-10-26. Review status: criteria provided, single submitter. Criteria: Ambry Variant Classification Scheme 2023. Collection method: clinical testing. Allele origin: germline.
Comment: The p.S1520C variant (also known as c.4558A>T), located in coding exon 23 of the DSP gene, results from an A to T substitution at nucleotide position 4558. The serine at codon 1520 is replaced by cysteine, an amino acid with dissimilar properties. This amino acid position is not well conserved in available vertebrate species. In addition, this alteration is predicted to be tolerated by in silico analysis. Since supporting evidence is limited at this time, the clinical significance of this alteration remains unclear.

Color Diagnostics, LLC DBA Color Health
Classification: Uncertain significance for Cardiomyopathy. Last evaluated: 2025-07-10. Review status: criteria provided, single submitter. Criteria: ACMG Guidelines, 2015. Collection method: clinical testing. Allele origin: germline.
Comment: This missense variant replaces serine with cysteine at codon 1520 of the DSP protein. Computational prediction suggests that this variant may not impact protein structure and function. To our knowledge, functional studies have not been reported for this variant. This variant has been reported in an individual affected with arrhythmogenic cardiomyopathy (PMID: 38489124). This variant has been identified in 8/250220 chromosomes in the general population by the Genome Aggregation Database (gnomAD). The available evidence is insufficient to determine the role of this variant in disease conclusively. Therefore, this variant is classified as a Variant of Uncertain Significance.

All of Us Research Program, National Institutes of Health
Classification: Uncertain significance for Arrhythmogenic cardiomyopathy with wooly hair and keratoderma. Last evaluated: 2023-10-27. Review status: criteria provided, single submitter. Criteria: ACMG Guidelines, 2015. Collection method: clinical testing. Allele origin: germline. Inheritance: Autosomal dominant inheritance. Observed: 6 variant alleles, 6 heterozygotes.
Comment: This missense variant replaces serine with cysteine at codon 1520 of the DSP protein. Computational prediction suggests that this variant may not impact protein structure and function (internally defined REVEL score threshold <= 0.5, PMID: 27666373). To our knowledge, functional studies have not been reported for this variant. This variant has not been reported in individuals affected with DSP-related disorders in the literature. This variant has been identified in 8/250220 chromosomes in the general population by the Genome Aggregation Database (gnomAD). The available evidence is insufficient to determine the role of this variant in disease conclusively. Therefore, this variant is classified as a Variant of Uncertain Significance.

This study involves interpretation of variants in research participants for the purpose of population health screening. Participant phenotype was not available at the time of variant classification. Additional details can be found in publication PMID: 35346344, PMCID: PMC8962531

GeneDx
Classification: Uncertain significance. Last evaluated: 2023-08-07. Review status: criteria provided, single submitter. Criteria: GeneDx Variant Classification Process June 2021. Collection method: clinical testing. Allele origin: germline. Affected: yes.
Comment: Has not been previously published as pathogenic or benign to our knowledge; In silico analysis supports that this missense variant does not alter protein structure/function

CHEO Genetics Diagnostic Laboratory, Children's Hospital of Eastern Ontario
Classification: Uncertain significance for Cardiomyopathy. Last evaluated: 2019-09-27. Review status: criteria provided, single submitter. Criteria: ACMG Guidelines, 2015. Collection method: clinical testing. Allele origin: germline. Study: Canadian Open Genetics Repository.

Literature cited by the submitters: PubMed 38489124 (cited by Color Diagnostics, LLC DBA Color Health).

NM_004415.4(DSP):c.4558A>T (p.Ser1520Cys)

Gene: DSP (desmoplakin; plus strand). Cytogenetic location: 6p24.3.
Variant type: single nucleotide variant.
Coding change: c.4558A>T on transcript NM_004415.4 (MANE Select); coding-DNA position 4558, A replaced by T.
Protein change: p.Ser1520Cys; replaces serine 1520 with cysteine.
Molecular consequence: missense variant. On other transcripts: intron variant (2).
Genome position (GRCh38, 1-based): chr6:7,580,748, A>T. VCF-style: chr6-7580748-A-T. GRCh37 (hg19) VCF-style: chr6-7580981-A-T.
Other names: c.4558A>T (LRG_423t1); c.4050+508A>T (NM_001319034.2); c.3582+976A>T (NM_001008844.3); short protein forms S1520C.
Identifiers: ClinVar variation 534312 (VCV000534312.19), dbSNP rs780953141, ClinGen allele CA041946.